The following is an entry in ClinVar:

ClinVar aggregate classification (germline): Uncertain significance. Review status: criteria provided, multiple submitters, no conflicts (2 of 4 stars). 2 submissions from 2 submitters: Uncertain significance (2). Last evaluated 2025-11-08.

Conditions:
Inborn genetic diseases. Identifiers: MedGen C0950123, MeSH D030342.

Allele frequency attached by ClinVar (database versions not stated): gnomAD exomes below 0.00001 and 0.00001; TOPMed 0.00001; gnomAD 0.00002; ESP Exome Variant Server 0.00008.
gnomAD v4.1: 17 of 1,613,996 alleles (0.0011%); highest among the groups gnomAD compares: African/African-American, 0.0013%; no homozygotes.

Submissions (2):

Ambry Genetics
Classification: Uncertain significance for Inborn genetic diseases. Last evaluated: 2025-11-08. Review status: criteria provided, single submitter. Criteria: Ambry Variant Classification Scheme 2023. Collection method: clinical testing. Allele origin: germline.

Labcorp Genetics (formerly Invitae), Labcorp
Classification: Uncertain significance. Last evaluated: 2025-08-15. Review status: criteria provided, single submitter. Criteria: Invitae Variant Classification Sherloc (09022015). Collection method: clinical testing. Allele origin: germline.
Comment: This sequence change replaces arginine, which is basic and polar, with threonine, which is neutral and polar, at codon 523 of the KCNV2 protein (p.Arg523Thr). This variant is present in population databases (rs369794013, gnomAD 0.004%). This variant has not been reported in the literature in individuals affected with KCNV2-related conditions. ClinVar contains an entry for this variant (Variation ID: 855251). Invitae Evidence Modeling of protein sequence and biophysical properties (such as structural, functional, and spatial information, amino acid conservation, physicochemical variation, residue mobility, and thermodynamic stability) indicates that this missense variant is not expected to disrupt KCNV2 protein function with a negative predictive value of 95%. In summary, the available evidence is currently insufficient to determine the role of this variant in disease. Therefore, it has been classified as a Variant of Uncertain Significance.

NM_133497.4(KCNV2):c.1568G>C (p.Arg523Thr)

Gene: KCNV2 (potassium voltage-gated channel modifier subfamily V member 2; plus strand). Cytogenetic location: 9p24.2.
Variant type: single nucleotide variant.
Coding change: c.1568G>C on transcript NM_133497.4 (MANE Select); coding-DNA position 1568, G replaced by C.
Protein change: p.Arg523Thr; replaces arginine 523 with threonine.
Molecular consequence: missense variant.
Genome position (GRCh38, 1-based): chr9:2,729,657, G>C. VCF-style: chr9-2729657-G-C. GRCh37 (hg19) VCF-style: chr9-2729657-G-C.
Other names: short protein forms R523T.
Identifiers: ClinVar variation 855251 (VCV000855251.10), dbSNP rs369794013, ClinGen allele CA187990298.